The following is an entry in ClinVar:

ClinVar aggregate classification (germline): Uncertain significance (0 of 4 stars; one submission).

Conditions:
TRIM32-related disorder. Also called: TRIM32-related condition.

gnomAD v4.1: 4 of 1,614,132 alleles (0.00025%); highest among the groups gnomAD compares: Non-Finnish European, 0.00034%; no homozygotes.

Submission:

PreventionGenetics, part of Exact Sciences
Classification: Uncertain significance for TRIM32-related condition. Last evaluated: 2024-04-19. Review status: no assertion criteria provided. Collection method: clinical testing. Allele origin: germline.
Comment: The TRIM32 c.1469G>A variant is predicted to result in the amino acid substitution p.Gly490Asp. To our knowledge, this variant has not been reported in the literature or in a large population database, indicating this variant is rare. At this time, the clinical significance of this variant is uncertain due to the absence of conclusive functional and genetic evidence.

NM_012210.4(TRIM32):c.1469G>A (p.Gly490Asp)

Genes: ASTN2 (astrotactin 2; minus strand), TRIM32 (tripartite motif containing 32; plus strand). Cytogenetic location: 9q33.1.
Variant type: single nucleotide variant.
Coding change: c.1469G>A on transcript NM_012210.4 (MANE Select); coding-DNA position 1469, G replaced by A.
Protein change: p.Gly490Asp; replaces glycine 490 with aspartic acid.
Molecular consequence: missense variant. On other transcripts: intron variant (3).
Genome position (GRCh38, 1-based): chr9:116,699,211, G>A. VCF-style: chr9-116699211-G-A. GRCh37 (hg19) VCF-style: chr9-119461490-G-A.
Other names: c.1469G>A, p.Gly490Asp (NM_001099679.2, NM_001379048.1, NM_001379049.1 and 1 more transcripts); c.2653+26560C>T (NM_014010.5); c.2794+26560C>T (NM_001365069.1); c.2806+26560C>T (NM_001365068.1); short protein forms G490D.
Identifiers: ClinVar variation 3349656 (VCV003349656.1).